The following is an entry in ClinVar:

NM_006147.4(IRF6):c.761G>C (p.Gly254Ala)

Gene: IRF6 (interferon regulatory factor 6; minus strand). Cytogenetic location: 1q32.2.
Variant type: single nucleotide variant.
Coding change: c.761G>C on transcript NM_006147.4 (MANE Select); coding-DNA position 761, G replaced by C.
Protein change: p.Gly254Ala; replaces glycine 254 with alanine.
Molecular consequence: missense variant.
Genome position (GRCh38, 1-based): chr1:209,790,794, C>G on the plus strand (G>C on the coding strand, the complement: IRF6 is on the minus strand). VCF-style: chr1-209790794-C-G. GRCh37 (hg19) VCF-style: chr1-209964139-C-G.
Other names: c.476G>C, p.Gly159Ala (NM_001206696.2); short protein forms G159A, G254A.
Identifiers: ClinVar variation 3894586 (VCV003894586.1).

ClinVar aggregate classification (germline): Likely pathogenic (1 of 4 stars; one submission).

Conditions:
Van der Woude syndrome 1. Also called: CLEFT LIP AND/OR PALATE WITH MUCOUS CYSTS OF LOWER LIP; van der Woude Syndrome (VWS). Identifiers: MedGen C4551864, MONDO:0007333, OMIM 119300.

Submission:

MVZ Medizinische Genetik Mainz
Classification: Likely pathogenic for Van der Woude syndrome 1. Last evaluated: 2025-04-02. Review status: criteria provided, single submitter. Criteria: UK Practice Guidelines For Variant Classification V4 01 2020. Collection method: clinical testing. Allele origin: germline. Inheritance: Autosomal dominant inheritance. Affected: yes. Observed: 2 variant alleles.
Comment: ACMG Criteria: PM1,PM5,PM2_SUP,PP2,PP3